The following is an entry in ClinVar:

ClinVar aggregate classification (germline): Likely pathogenic (1 of 4 stars; one submission).

Allele frequency attached by ClinVar (database versions not stated): gnomAD 0.00001.

Submission:

GeneDx
Classification: Likely pathogenic. Last evaluated: 2024-10-25. Review status: criteria provided, single submitter. Criteria: GeneDx Variant Classification Process June 2021. Collection method: clinical testing. Allele origin: germline. Affected: yes.
Comment: Not observed at significant frequency in large population cohorts (gnomAD); This substitution is predicted to be within the transmembrane segment S3 of the first homologous domain; In silico analysis supports that this missense variant has a deleterious effect on protein structure/function; Has not been previously published as pathogenic or benign to our knowledge

NM_001040142.2(SCN2A):c.604G>T (p.Ala202Ser)

Gene: SCN2A (sodium voltage-gated channel alpha subunit 2; plus strand). Cytogenetic location: 2q24.3.
Variant type: single nucleotide variant.
Coding change: c.604G>T on transcript NM_001040142.2 (MANE Select); coding-DNA position 604, G replaced by T.
Protein change: p.Ala202Ser; replaces alanine 202 with serine.
Molecular consequence: missense variant.
Genome position (GRCh38, 1-based): chr2:165,308,793, G>T. VCF-style: chr2-165308793-G-T. GRCh37 (hg19) VCF-style: chr2-166165303-G-T.
Other names: c.604G>T, p.Ala202Ser (NM_001040143.2, NM_001371246.1, NM_001371247.1 and 1 more transcripts); short protein forms A202S.
Identifiers: ClinVar variation 2579303 (VCV002579303.2), dbSNP rs1697273920, ClinGen allele CA349016806.
Genomic context (GRCh38, chr2:165,308,793, plus strand): 5'-GAAGATTTCACATTTTTACGGGATCCATGGAATTGGTTGGATTTCACAGTCATTACTTTT[G>T]CGTAAGTATCTTAATACATTTTCTATCCTGGAAGAGTAAATCACTGGTGGGAGCCTATAC-3'
Protein context (NP_001035232.1, residues 192-212): NWLDFTVITF[Ala202Ser]YVTEFVDLGN